The following is an entry in ClinVar:

NM_000059.4(BRCA2):c.6861A>C (p.Arg2287Ser)

Gene: BRCA2 (BRCA2 DNA repair associated; plus strand). Cytogenetic location: 13q13.1.
Variant type: single nucleotide variant.
Coding change: c.6861A>C on transcript NM_000059.4 (MANE Select); coding-DNA position 6861, A replaced by C.
Protein change: p.Arg2287Ser; replaces arginine 2287 with serine.
Molecular consequence: missense variant. On other transcripts: non-coding transcript variant (1), intron variant (1).
Genome position (GRCh38, 1-based): chr13:32,344,577, A>C. VCF-style: chr13-32344577-A-C. GRCh37 (hg19) VCF-style: chr13-32918714-A-C.
Other names: c.6861A>C, p.Arg2287Ser (NM_001406720.1, NM_001432077.1); c.1929A>C, p.Arg643Ser (NM_001406721.1); c.444A>C, p.Arg148Ser (NM_001406722.1); c.6842-2250A>C (NM_001406719.1); short protein forms R148S, R643S, R2287S.
Identifiers: ClinVar variation 3482122 (VCV003482122.1).

ClinVar aggregate classification (germline): Uncertain significance (1 of 4 stars; one submission).

Conditions:
Hereditary cancer-predisposing syndrome. Also called: Tumor predisposition; Neoplastic Syndromes, Hereditary; Hereditary Cancer Syndrome; Hereditary neoplastic syndrome. Identifiers: Orphanet 140162, MedGen C0027672, MeSH D009386, MONDO:0015356.

Submission:

Ambry Genetics
Classification: Uncertain significance for Hereditary cancer-predisposing syndrome. Last evaluated: 2024-10-04. Review status: criteria provided, single submitter. Criteria: Ambry Variant Classification Scheme 2023. Collection method: clinical testing. Allele origin: germline.
Comment: The p.R2287S variant (also known as c.6861A>C), located in coding exon 11 of the BRCA2 gene, results from an A to C substitution at nucleotide position 6861. The arginine at codon 2287 is replaced by serine, an amino acid with dissimilar properties. This amino acid position is conserved. In addition, this alteration is predicted to be deleterious by in silico analysis. Based on the available evidence, the clinical significance of this variant remains unclear.